The following is an entry in ClinVar:

ClinVar aggregate classification (germline): Likely benign (1 of 4 stars; one submission).

Allele frequency attached by ClinVar (database versions not stated): TOPMed below 0.00001; gnomAD 0.00003; ExAC 0.00017.

Submission:

GeneDx
Classification: Likely benign. Last evaluated: 2023-03-01. Review status: criteria provided, single submitter. Criteria: GeneDx Variant Classification Process June 2021. Collection method: clinical testing. Allele origin: germline. Affected: yes.
Comment: See Variant Classification Assertion Criteria.

NM_178335.3(CCDC50):c.669T>G (p.His223Gln)

Gene: CCDC50 (coiled-coil domain containing 50; plus strand). Cytogenetic location: 3q28.
Variant type: single nucleotide variant.
Coding change: c.669T>G on transcript NM_178335.3 (MANE Select); coding-DNA position 669, T replaced by G.
Protein change: p.His223Gln; replaces histidine 223 with glutamine.
Molecular consequence: missense variant. On other transcripts: intron variant (1).
Genome position (GRCh38, 1-based): chr3:191,375,282, T>G. VCF-style: chr3-191375282-T-G. GRCh37 (hg19) VCF-style: chr3-191093071-T-G.
Other names: c.449-4877T>G (NM_174908.4); short protein forms H223Q.
Identifiers: ClinVar variation 2442773 (VCV002442773.1), dbSNP rs567369598, ClinGen allele CA2755304.